The following is an entry in ClinVar:

NM_005173.4(ATP2A3):c.1371C>T (p.Thr457=)

Gene: ATP2A3 (ATPase sarcoplasmic/endoplasmic reticulum Ca2+ transporting 3; minus strand). Cytogenetic location: 17p13.2.
Variant type: single nucleotide variant.
Coding change: c.1371C>T on transcript NM_005173.4 (MANE Select); coding-DNA position 1371, C replaced by T.
Protein change: p.Thr457=; no amino-acid change (threonine 457 retained).
Molecular consequence: synonymous variant.
Genome position (GRCh38, 1-based): chr17:3,943,439, G>A on the plus strand (C>T on the coding strand, the complement: ATP2A3 is on the minus strand). VCF-style: chr17-3943439-G-A. GRCh37 (hg19) VCF-style: chr17-3846733-G-A.
Other names: c.1371C>T, p.Thr457= (NM_174953.3, NM_174954.3, NM_174955.3 and 3 more transcripts).
Identifiers: ClinVar variation 3039559 (VCV003039559.2), dbSNP rs150705413, ClinGen allele CA8297234.
Genomic context (GRCh38, chr17:3,943,439, plus strand): 5'-AGCCCTGCTCACCGTGTTACAGGCGCCAGCTCGCTCCACCCGGGACAGAGCCTGCAGGTC[G>A]GTGTCGAACACGTTCATCTTCTCCACCAGGCAAGTCAGAGCTGTCTCCGTGGCCTCTCCC-3'
Protein context (NP_005164.2, residues 447-467): CLVEKMNVFD[Thr457=]DLQALSRVER

ClinVar aggregate classification (germline): Likely benign (0 of 4 stars; one submission).

Conditions:
ATP2A3-related disorder. Also called: ATP2A3-related condition.

Allele frequency attached by ClinVar (database versions not stated): gnomAD 0.00008; TOPMed 0.00012; ESP Exome Variant Server 0.00015; 1000 Genomes Project 30x 0.00016; 1000 Genomes Project 0.00020; ExAC 0.00041.
gnomAD v4.1: 301 of 1,614,030 alleles (0.019%); highest among the groups gnomAD compares: South Asian, 0.21%; 4 homozygotes.

Submission:

PreventionGenetics, part of Exact Sciences
Classification: Likely benign for ATP2A3-related condition. Last evaluated: 2019-03-20. Review status: no assertion criteria provided. Collection method: clinical testing. Allele origin: germline.
Comment: This variant is classified as likely benign based on ACMG/AMP sequence variant interpretation guidelines (Richards et al. 2015 PMID: 25741868, with internal and published modifications).